The following is an entry in ClinVar:

ClinVar aggregate classification (germline): Pathogenic (1 of 4 stars; one submission).

Submission:

GeneDx
Classification: Pathogenic. Last evaluated: 2026-04-01. Review status: criteria provided, single submitter. Criteria: GeneDx Variant Classification Process June 2021. Collection method: clinical testing. Allele origin: germline.
Comment: Canonical splice site variant predicted to result in a null allele in a gene for which loss of function is a known mechanism of disease; Not observed at significant frequency in large population cohorts (gnomAD); This variant is associated with the following publications: (PMID: 25525159, 37471416, 12497640)

NM_000214.3(JAG1):c.2372+1G>A

Gene: JAG1 (jagged canonical Notch ligand 1; minus strand). Cytogenetic location: 20p12.2.
Variant type: single nucleotide variant.
Coding change: c.2372+1G>A on transcript NM_000214.3 (MANE Select); the canonical splice donor site of the intron after coding-DNA position 2372, G replaced by A.
Molecular consequence: splice donor variant.
Genome position (GRCh38, 1-based): chr20:10,644,356, C>T on the plus strand (G>A on the coding strand, the complement: JAG1 is on the minus strand). VCF-style: chr20-10644356-C-T. GRCh37 (hg19) VCF-style: chr20-10625004-C-T.
Identifiers: ClinVar variation 5018012 (VCV005018012.1).
Genomic context (GRCh38, chr20:10,644,356, plus strand): 5'-ACACACACACACACACACACGATAGTGGATGAGTGCTGGCTTAAAAGGATGTCACACTTA[C>T]CAGGGATGAGGGCTGCAGTCATTGGTATCTGCAAAGAAAAGACAACTTAATAGTGAGGAC-3'